The following is an entry in ClinVar:

NM_000038.6(APC):c.2868C>G (p.Tyr956Ter)

Gene: APC (APC regulator of Wnt signaling pathway; plus strand). Cytogenetic location: 5q22.2.
Variant type: single nucleotide variant.
Coding change: c.2868C>G on transcript NM_000038.6 (MANE Select); coding-DNA position 2868, C replaced by G.
Protein change: p.Tyr956Ter; replaces tyrosine 956 with a stop codon.
Molecular consequence: nonsense.
Genome position (GRCh38, 1-based): chr5:112,838,462, C>G. VCF-style: chr5-112838462-C-G. GRCh37 (hg19) VCF-style: chr5-112174159-C-G.
Other names: c.2868C>G, p.Tyr956Ter (NM_001127510.3, NM_001354895.2); c.2814C>G, p.Tyr938Ter (NM_001127511.3); c.2922C>G, p.Tyr974Ter (NM_001354896.2); c.2898C>G, p.Tyr966Ter (NM_001354897.2); c.2793C>G, p.Tyr931Ter (NM_001354898.2); c.2784C>G, p.Tyr928Ter (NM_001354899.2); c.2745C>G, p.Tyr915Ter (NM_001354900.2); c.2691C>G, p.Tyr897Ter (NM_001354901.2); and 6 more; short protein forms Y673*, Y796*, Y830*, Y855*, Y865*, Y897*, Y915*, Y928*.
Identifiers: ClinVar variation 1074001 (VCV001074001.12), dbSNP rs2149879114, ClinGen allele CA16027588.

ClinVar aggregate classification (germline): Pathogenic. Review status: criteria provided, multiple submitters, no conflicts (2 of 4 stars). 3 submissions from 3 submitters: Pathogenic (3). Last evaluated 2024-11-06.

Conditions:
Familial adenomatous polyposis 1 (FAP1). Also called: POLYPOSIS, ADENOMATOUS INTESTINAL; FAMILIAL ADENOMATOUS POLYPOSIS 1, ATTENUATED. Identifiers: MedGen C2713442, MONDO:0021056, OMIM 175100. Disease mechanism: loss of function.

Submissions (3):

Molecular Pathology, Peter Maccallum Cancer Centre
Classification: Pathogenic for Familial adenomatous polyposis 1. Last evaluated: 2024-11-06. Review status: criteria provided, single submitter. Criteria: ACMG Guidelines, 2015. Collection method: clinical testing. Allele origin: germline. Inheritance: Autosomal dominant inheritance.

Myriad Genetics, Inc.
Classification: Pathogenic for Familial adenomatous polyposis 1. Last evaluated: 2023-05-05. Review status: criteria provided, single submitter. Criteria: Myriad Autosomal Dominant, Autosomal Recessive and X-Linked Classification Criteria (2023). Collection method: clinical testing. Allele origin: unknown.
Comment: This variant is considered pathogenic. This variant creates a termination codon and is predicted to result in premature protein truncation.

Labcorp Genetics (formerly Invitae), Labcorp
Classification: Pathogenic for Familial adenomatous polyposis 1. Last evaluated: 2021-05-19. Review status: criteria provided, single submitter. Criteria: Invitae Variant Classification Sherloc (09022015). Collection method: clinical testing. Allele origin: germline.
Comment: This variant is expected to disrupt the EB1 and HDLG binding sites, which mediate interactions with the cytoskeleton (PMID: 15311282, 17293347). While functional studies have not been performed to directly test the effect on APC protein function, this suggests that disruption of the C-terminal portion of the protein is functionally important. This variant has been observed in individual(s) with clinical features of familial adenomatous polyposis (PMID: 10077047, 20685668). This variant is not present in population databases (ExAC no frequency). This sequence change results in a premature translational stop signal in the APC gene (p.Tyr956*). While this is not anticipated to result in nonsense mediated decay, it is expected to disrupt the last 1888 amino acid(s) of the APC protein. For these reasons, this variant has been classified as Pathogenic. A different truncation (p.Tyr2645Lysfs*14) that lies downstream of this variant has been determined to be pathogenic (PMID: 9824584, 1316610, 27081525, 8381579, 22135120, Invitae). This suggests that deletion of this region of the APC protein is causative of disease.

Literature cited by the submitters: PubMed 15311282 (cited by Labcorp Genetics (formerly Invitae), Labcorp); PubMed 17293347 (cited by Labcorp Genetics (formerly Invitae), Labcorp); PubMed 10077047 (cited by Labcorp Genetics (formerly Invitae), Labcorp); PubMed 20685668 (cited by Labcorp Genetics (formerly Invitae), Labcorp); PubMed 9824584 (cited by Labcorp Genetics (formerly Invitae), Labcorp); PubMed 1316610 (cited by Labcorp Genetics (formerly Invitae), Labcorp); PubMed 27081525 (cited by Labcorp Genetics (formerly Invitae), Labcorp); PubMed 8381579 (cited by Labcorp Genetics (formerly Invitae), Labcorp); PubMed 22135120 (cited by Labcorp Genetics (formerly Invitae), Labcorp).